The following is an entry in ClinVar:

NC_000020.11:g.44355613C>G

Gene: HNF4A (hepatocyte nuclear factor 4 alpha; plus strand). Cytogenetic location: 20q13.12.
Variant type: single nucleotide variant.
Genome position: GRCh38 VCF-style: chr20-44355613-C-G. GRCh37 (hg19) VCF-style: chr20-42984253-C-G.
Identifiers: ClinVar variation 4077388 (VCV004077388.1).

ClinVar aggregate classification (germline): Pathogenic (3 of 4 stars; one submission).

Conditions:
Monogenic diabetes. Identifiers: Orphanet 183625, MedGen C3888631, MONDO:0015967.

Submission:

ClinGen Monogenic Diabetes Variant Curation Expert Panel
Classification: Pathogenic for Monogenic diabetes. Last evaluated: 2025-09-02. Review status: reviewed by expert panel. Criteria: ClinGen Diabetes ACMG Specifications HNF4A V3.0.0. Collection method: curation. Allele origin: germline. Inheritance: Autosomal dominant inheritance.
Comment: The c.-192C>G variant in the hepatocyte nuclear factor 4-alpha gene, HNF4A, is a single nucleotide variant within the 5' UTR of NM_175914.5. This variant is absent from gnomAD v4.1.0 (PM2_Supporting). This variant was identified in at least 14 unrelated individuals with non-autoimmune and non-absolute/near-absolute insulin-deficient diabetes (PS4; PMIDs: 16731855, 16731861, internal lab contributors). Furthermore, at least one of these individuals had a clinical history highly specific for HNF4A-monogenic diabetes (MODY probability calculator result >50%, negative genetic testing for HNF1A) (PP4, PMID:16731861). This variant segregated with non-autoimmune and non-absolute/near-absolute insulin-deficient diabetes with at least 15 informative meioses in 5 families (PP1_Strong; PMIDs: 16731861, 38855865, internal lab contributors). In summary, c.-192C>G meets the criteria to be classified as pathogenic for monogenic diabetes. ACMG/AMP criteria applied, as specified by the ClinGen MDEP (specification version 3.0.0, approved 6/30/2025): PS4, PP1_Strong, PM2_Supporting, PP4.

Literature cited by the submitters: PubMed 16731855; PubMed 16731861; PubMed 38855865.